The following is an entry in ClinVar:

ClinVar aggregate classification (germline): Uncertain significance (1 of 4 stars; one submission).

Conditions:
Osteogenesis imperfecta type 17. Also called: Osteogenesis imperfecta, type xvii. Identifiers: Orphanet 666, MedGen C4225301, MONDO:0014672, OMIM 616507.

Submission:

Baylor Genetics
Classification: Uncertain significance for Osteogenesis imperfecta type 17. Last evaluated: 2018-06-28. Review status: criteria provided, single submitter. Criteria: ACMG Guidelines, 2015. Collection method: clinical testing. Allele origin: maternal. Affected: yes.
Comment: This variant was determined to be of uncertain significance according to ACMG Guidelines, 2015 [PMID:25741868].

NM_003118.4(SPARC):c.*55C>G

Genes: SPARC (secreted protein acidic and cysteine rich; minus strand), LOC126807556 (MED14-independent group 3 enhancer GRCh37_chr5:151042798-151043997; plus strand). Cytogenetic location: 5q33.1.
Variant type: single nucleotide variant.
Coding change: c.*55C>G on transcript NM_003118.4 (MANE Select); 55 bases downstream of the stop codon, C replaced by G.
Molecular consequence: 3 prime UTR variant. On other transcripts: missense variant (1).
Genome position (GRCh38, 1-based): chr5:151,663,516, G>C on the plus strand (C>G on the coding strand, the complement: SPARC is on the minus strand). VCF-style: chr5-151663516-G-C. GRCh37 (hg19) VCF-style: chr5-151043077-G-C.
Other names: c.*55C>G (NM_001309443.2); c.965C>G, p.Pro322Arg (NM_001309444.2); short protein forms P322R.
Identifiers: ClinVar variation 1032875 (VCV001032875.1), dbSNP rs1224378018, ClinGen allele CA1591486901.